The following is an entry in ClinVar:

NM_001375405.1(CEP120):c.1062G>T (p.Gln354His)

Gene: CEP120 (centrosomal protein 120; minus strand). Cytogenetic location: 5q23.2.
Variant type: single nucleotide variant.
Coding change: c.1062G>T on transcript NM_001375405.1 (MANE Select); coding-DNA position 1062, G replaced by T.
Protein change: p.Gln354His; replaces glutamine 354 with histidine.
Molecular consequence: missense variant. On other transcripts: non-coding transcript variant (1), intron variant (1).
Genome position (GRCh38, 1-based): chr5:123,390,117, C>A on the plus strand (G>T on the coding strand, the complement: CEP120 is on the minus strand). VCF-style: chr5-123390117-C-A. GRCh37 (hg19) VCF-style: chr5-122725811-C-A.
Other names: c.984G>T, p.Gln328His (NM_001166226.2); c.1062G>T, p.Gln354His (NM_001375407.1, NM_153223.4); c.489G>T, p.Gln163His (NM_001375408.1, NM_001375409.1); c.1039-112G>T (NM_001375406.1); short protein forms Q328H, Q163H, Q354H.
Identifiers: ClinVar variation 1031687 (VCV001031687.1), dbSNP rs775393475, ClinGen allele CA360891452.
Genomic context (GRCh38, chr5:123,390,117, plus strand): 5'-TGTCTTCTCCTTTATGGGGGTTAAAACTTTCTTCTTTGAATGCTCTGGCTCATGTTCATT[C>A]TGGGTCTTTAATTCAATTAAAGACTAAAAACAATTTTTAAATAAAGTATAATTTGCAAAG-3'
Protein context (NP_001362334.1, residues 344-364): DSQSLIELKT[Gln354His]NEHEPEHSKK

ClinVar aggregate classification (germline): Uncertain significance (1 of 4 stars; one submission).

Conditions:
Joubert syndrome 31. Identifiers: MedGen C4540355, MONDO:0033310, OMIM 617761.

Submission:

Baylor Genetics
Classification: Uncertain significance for Joubert syndrome 31. Last evaluated: 2018-12-12. Review status: criteria provided, single submitter. Criteria: ACMG Guidelines, 2015. Collection method: clinical testing. Allele origin: maternal. Affected: yes.
Comment: This variant was determined to be of uncertain significance according to ACMG Guidelines, 2015 [PMID:25741868].